The following is an entry in ClinVar:

NM_000088.4(COL1A1):c.3713T>A (p.Leu1238Gln)

Gene: COL1A1 (collagen type I alpha 1 chain; minus strand). Cytogenetic location: 17q21.33.
Variant type: single nucleotide variant.
Coding change: c.3713T>A on transcript NM_000088.4 (MANE Select); coding-DNA position 3713, T replaced by A.
Protein change: p.Leu1238Gln; replaces leucine 1238 with glutamine.
Molecular consequence: missense variant.
Genome position (GRCh38, 1-based): chr17:50,186,741, A>T on the plus strand (T>A on the coding strand, the complement: COL1A1 is on the minus strand). VCF-style: chr17-50186741-A-T. GRCh37 (hg19) VCF-style: chr17-48264102-A-T.
Other names: short protein forms L1238Q.
Identifiers: ClinVar variation 1700991 (VCV001700991.3), dbSNP rs2144536626, ClinGen allele CA400196817.

ClinVar aggregate classification (germline): Uncertain significance (1 of 4 stars; one submission).

Submission:

GeneDx
Classification: Uncertain significance. Last evaluated: 2025-01-22. Review status: criteria provided, single submitter. Criteria: GeneDx Variant Classification Process June 2021. Collection method: clinical testing. Allele origin: germline. Affected: yes.
Comment: Not observed at significant frequency in large population cohorts (gnomAD); In silico analysis supports that this missense variant has a deleterious effect on protein structure/function; Has not been previously published as pathogenic or benign to our knowledge; Not located in the triple helical region, where the majority of pathogenic missense variants occur (HGMD)